The following is an entry in ClinVar:

ClinVar aggregate classification (germline): Uncertain significance (1 of 4 stars; one submission).

Submission:

Labcorp Genetics (formerly Invitae), Labcorp
Classification: Uncertain significance. Last evaluated: 2022-02-05. Review status: criteria provided, single submitter. Criteria: Invitae Variant Classification Sherloc (09022015). Collection method: clinical testing. Allele origin: germline.
Comment: In summary, the available evidence is currently insufficient to determine the role of this variant in disease. Therefore, it has been classified as a Variant of Uncertain Significance. This variant has not been reported in the literature in individuals affected with LZTR1-related conditions. This variant is not present in population databases (gnomAD no frequency). This variant, c.215_217dup, results in the insertion of 1 amino acid(s) of the LZTR1 protein (p.Thr72_Val73insAla), but otherwise preserves the integrity of the reading frame.

NM_006767.4(LZTR1):c.215_217dup (p.Thr72_Val73insAla)

Gene: LZTR1 (leucine zipper like post translational regulator 1; plus strand). Cytogenetic location: 22q11.21.
Variant type: Duplication.
Coding change: c.215_217dup on transcript NM_006767.4 (MANE Select); coding-DNA positions 215 to 217, 3 bases duplicated (CAG; older notation c.215_217dupCAG).
Protein change: p.Thr72_Val73insAla.
Molecular consequence: inframe insertion.
Genome position (GRCh38, 1-based): chr22:20,983,041-20,983,043, CAG duplicated. VCF-style (leftmost placement, unchanged base first): chr22-20983040-A-ACAG. GRCh37 (hg19) VCF-style: chr22-21337329-A-ACAG.
Identifiers: ClinVar variation 2093497 (VCV002093497.4), dbSNP rs2518608595, ClinGen allele CA2580099173.